The following is an entry in ClinVar:

ClinVar aggregate classification (germline): Likely pathogenic. Review status: criteria provided, multiple submitters, no conflicts (2 of 4 stars). 2 submissions from 2 submitters: Likely pathogenic (2). Last evaluated 2022-08-19.

Conditions:
ALG12-congenital disorder of glycosylation (CDG1G). Also called: CDG Ig; ALG12-CDG; Congenital disorder of glycosylation, type Ig. Identifiers: Orphanet 79324, MedGen C2931001, MONDO:0011783, OMIM 607143.

Allele frequency attached by ClinVar (database versions not stated): TOPMed below 0.00001; ExAC 0.00001; gnomAD 0.00001 and 0.00002; gnomAD exomes 0.00002; 1000 Genomes Project 30x 0.00016; 1000 Genomes Project 0.00020.
gnomAD v4.1: 11 of 1,613,416 alleles (0.00068%); highest among the groups gnomAD compares: Admixed American, 0.018%; no homozygotes.

Submissions (2):

Labcorp Genetics (formerly Invitae), Labcorp
Classification: Likely pathogenic for ALG12-congenital disorder of glycosylation. Last evaluated: 2022-08-19. Review status: criteria provided, single submitter. Criteria: Invitae Variant Classification Sherloc (09022015). Collection method: clinical testing. Allele origin: germline.
Comment: This sequence change affects a donor splice site in intron 6 of the ALG12 gene. It is expected to disrupt RNA splicing. Variants that disrupt the donor or acceptor splice site typically lead to a loss of protein function (PMID: 16199547), and loss-of-function variants in ALG12 are known to be pathogenic (PMID: 15639192, 31481313). This variant is present in population databases (rs188399257, gnomAD 0.006%). This variant has not been reported in the literature in individuals affected with ALG12-related conditions. ClinVar contains an entry for this variant (Variation ID: 1323878). Algorithms developed to predict the effect of sequence changes on RNA splicing suggest that this variant may disrupt the consensus splice site. In summary, the currently available evidence indicates that the variant is pathogenic, but additional data are needed to prove that conclusively. Therefore, this variant has been classified as Likely Pathogenic.

Revvity Omics, Revvity
Classification: Likely pathogenic for ALG12-congenital disorder of glycosylation. Last evaluated: 2020-04-04. Review status: criteria provided, single submitter. Criteria: ACMG Guidelines, 2015. Collection method: clinical testing. Allele origin: germline.

Literature cited by the submitters: PubMed 16199547 (cited by Labcorp Genetics (formerly Invitae), Labcorp); PubMed 15639192 (cited by Labcorp Genetics (formerly Invitae), Labcorp); PubMed 31481313 (cited by Labcorp Genetics (formerly Invitae), Labcorp).

NM_024105.4(ALG12):c.768+1G>A

Gene: ALG12 (ALG12 alpha-1,6-mannosyltransferase; minus strand). Cytogenetic location: 22q13.33.
Variant type: single nucleotide variant.
Coding change: c.768+1G>A on transcript NM_024105.4 (MANE Select); the canonical splice donor site of the intron after coding-DNA position 768, G replaced by A.
Molecular consequence: splice donor variant.
Genome position (GRCh38, 1-based): chr22:49,909,243, C>T on the plus strand (G>A on the coding strand, the complement: ALG12 is on the minus strand). VCF-style: chr22-49909243-C-T. GRCh37 (hg19) VCF-style: chr22-50302891-C-T.
Identifiers: ClinVar variation 1323878 (VCV001323878.8), dbSNP rs188399257, ClinGen allele CA10300487.